The following is an entry in ClinVar:

ClinVar aggregate classification (germline): Pathogenic/Likely pathogenic. Review status: criteria provided, multiple submitters, no conflicts (2 of 4 stars). 9 submissions from 9 submitters: Pathogenic (4); Likely pathogenic (4). 1 of the submissions does not count toward it. Last evaluated 2025-11-16.

Conditions:
ABCA4-related disorder. Also called: ABCA4-related condition; ABCA4-related disorders. Identifiers: MedGen CN239167.
Severe early-childhood-onset retinal dystrophy (STGD1). Also called: MACULAR DYSTROPHY WITH FLECKS, TYPE 1; STGD; Stargardt macular dystrophy; Juvenile onset macular degeneration; Stargardt disease 1. Identifiers: Orphanet 364055, Orphanet 827, MedGen C1855465, MeSH D000080362, MONDO:0009549, OMIM 248200.
Cone-rod dystrophy 3 (CORD3). Identifiers: Orphanet 1872, MedGen C1858806, MONDO:0011395, OMIM 604116.
Age related macular degeneration 2. Also called: MACULAR DEGENERATION, SENILE; MACULOPATHY, AGE-RELATED, 2; MACULOPATHY, AGE-RELATED. Identifiers: MedGen C3495438, MONDO:0007932, OMIM 153800.
Retinitis pigmentosa 19 (RP19). Also called: ABCA4-Related Retinitis Pigmentosa. Identifiers: Orphanet 791, MedGen C1866422, MONDO:0011137, OMIM 601718.
Retinal disorder. Also called: Retinopathy; Retinal disorders; Retinopathies; Retinal Diseases. Identifiers: MedGen C0035309, MONDO:0005283, HP:0000488.

Allele frequency attached by ClinVar (database versions not stated): gnomAD exomes below 0.00001 and 0.00001.
gnomAD v4.1: 3 of 1,614,122 alleles (0.00019%); highest among the groups gnomAD compares: South Asian, 0.0022%; no homozygotes.

Submissions (9):

Labcorp Genetics (formerly Invitae), Labcorp
Classification: Pathogenic. Last evaluated: 2025-11-16. Review status: criteria provided, single submitter. Criteria: Invitae Variant Classification Sherloc (09022015). Collection method: clinical testing. Allele origin: germline.
Comment: This sequence change replaces threonine, which is neutral and polar, with asparagine, which is neutral and polar, at codon 971 of the ABCA4 protein (p.Thr971Asn). This variant is present in population databases (rs61749450, gnomAD 0.003%). This missense change has been observed in individuals with clinical features of Stargardt disease (PMID: 25922843, 28355279, 31934596). ClinVar contains an entry for this variant (Variation ID: 99173). Invitae Evidence Modeling of protein sequence and biophysical properties (such as structural, functional, and spatial information, amino acid conservation, physicochemical variation, residue mobility, and thermodynamic stability) indicates that this missense variant is expected to disrupt ABCA4 protein function with a positive predictive value of 95%. Experimental studies have shown that this missense change affects ABCA4 function (PMID: 11017087). For these reasons, this variant has been classified as Pathogenic.

CeGaT Center for Human Genetics Tuebingen
Classification: Pathogenic. Last evaluated: 2025-11-01. Review status: criteria provided, single submitter. Criteria: CeGaT Center For Human Genetics Tuebingen Variant Classification Criteria Version 2. Collection method: clinical testing. Allele origin: germline. Affected: yes. Observed: 1 variant allele.
Comment: ABCA4: PM3:Strong, PM1, PM2, PP3, PS3:Supporting

Genetics Laboratory, Great Ormond Street Hospital NHS Foundation Trust, North Thames Genomic Laboratory Hub
Classification: Likely pathogenic for Retinal disorders. Last evaluated: 2025-09-03. Review status: criteria provided, single submitter. Criteria: ACGS Best Practice Guidelines for Variant Classification in Rare Disease 2024 v1.2. Collection method: clinical testing. Allele origin: germline. Affected: yes.
Comment: PM2_moderate, PP3_supporting, PS3_supporting, PM3_strong

PreventionGenetics, part of Exact Sciences
Classification: Pathogenic for ABCA4-related condition. Last evaluated: 2025-04-25. Review status: criteria provided, single submitter. Criteria: ACMG Guidelines, 2015. Collection method: clinical testing. Allele origin: germline.
Comment: The ABCA4 c.2912C>A variant is predicted to result in the amino acid substitution p.Thr971Asn. This variant has been reported in the homozygous and compound heterozygous states in individuals with ABCA4-related retinal disease (Webster et al. 2001. PubMed ID: 11328725; Table S1, Fujinami et al. 2018. PubMed ID: 29925512; reported as T971A, Raj et al. 2020. PubMed ID: 31934596; Table S1, Lin et al. 2024. PubMed ID: 38219857). This variant is present in 0.0033% of alleles in individuals of South Asian descent in gnomAD. A study of allele frequency in patients versus controls has classified this variant as severe (Table S2A, Cornelis et al. 2022. PubMed ID: 35120629). Given the evidence, we interpret this variant as pathogenic.

Blueprint Genetics
Classification: Pathogenic for ABCA4-related disorders. Last evaluated: 2024-08-12. Review status: criteria provided, single submitter. Criteria: ACMG Guidelines, 2015. Collection method: clinical testing. Allele origin: germline. Affected: yes. Observed: 5 variant alleles.

Fulgent Genetics
Classification: Likely pathogenic for Age related macular degeneration 2; Severe early-childhood-onset retinal dystrophy; Retinitis pigmentosa 19; Cone-rod dystrophy 3. Last evaluated: 2024-06-18. Review status: criteria provided, single submitter. Criteria: ACMG Guidelines, 2015. Collection method: clinical testing. Allele origin: germline.

Molecular Genetics, Royal Melbourne Hospital
Classification: Likely pathogenic for Severe early-childhood-onset retinal dystrophy. Last evaluated: 2023-03-30. Review status: criteria provided, single submitter. Criteria: ACMG Guidelines, 2015. Collection method: clinical testing. Allele origin: germline. Affected: yes.
Comment: This sequence change is predicted to replace threonine with asparagine at codon 971 of the ABCA4 protein, p.(Thr971Asn). The threonine residue is highly conserved (100 vertebrates, UCSC), and located in the ATP binding cassette transporter 1 domain. There is a moderate physicochemical difference between threonine and asparagine. The variant is present in a large population cohort at a frequency of 0.0004%, which is consistent with recessive disease (rs61749450, 1/251,228 alleles, 0 homozygotes in gnomAD v2.1). Two noncansanguineous homozygous cases with Stargardt disease have been reported (PMID: 25922843, 28355279). In vitro ATPase assays of the variant show little basal ATPase activity and little or no retinal-stimulated ATPase activity (PMID: 11017087). Multiple lines of computational evidence predict a deleterious effect for the missense substitution (7/7 algorithms). Based on the classification scheme RMH ACMG Guidelines v1.2.1, this variant is classified as LIKELY PATHOGENIC. Following criteria are met: PM2, PM3, PS3_Supporting, PP3.

ARUP Laboratories, Molecular Genetics and Genomics, ARUP Laboratories
Classification: Likely pathogenic. Last evaluated: 2018-07-09. Review status: criteria provided, single submitter. Criteria: ARUP Molecular Germline Variant Investigation Process. Collection method: clinical testing. Allele origin: germline.
Comment: The ABCA4 c.2912C>A;p.Thr971Asn variant has been published in individuals with Stargardt disease, including in an individual homozygous for the variant (Battu 2015, Webster 2001). The variant is listed in the ClinVar database (Variation ID: 99173) and the dbSNP variant database (rs61749450) and in the Genome Aggregation Database with an allele frequency of 0.0004065 percent (1/245988 alleles). The amino acid at this position is well conserved across species, and part of a conserved Walker type A binding motif (Galinier 2002). As such, this variant has been shown to cause abolished ATP binding and retinal-stimulated ATP hydrolysis (Sun 2000). Considering available information, this variant is classified as likely pathogenic. References: Battu R et al. Identification of Novel Mutations in ABCA4 Gene: Clinical and Genetic Analysis of Indian Patients with Stargardt Disease. Biomed Res Int. 2015;2015:940864. Galinier A et al. A new family of phosphotransferases with a P-loop motif. J Biol Chem. 2002 Mar 29;277(13):11362-7. Sun H et al. Biochemical defects in ABCR protein variants associated with human retinopathies. Nat Genet. 2000 Oct;26(2):242-6. Webster AR et al. An analysis of allelic variation in the ABCA4 gene. Invest Ophthalmol Vis Sci. 2001 May;42(6):1179-89.

Retina International
No classification provided. Review status: no classification provided. Collection method: not provided. Allele origin: not provided. Not counted in ClinVar's aggregate classification.

Literature cited by the submitters: PubMed 25922843 (cited by Labcorp Genetics (formerly Invitae), Labcorp and Molecular Genetics, Royal Melbourne Hospital); PubMed 28355279 (cited by Labcorp Genetics (formerly Invitae), Labcorp and Molecular Genetics, Royal Melbourne Hospital); PubMed 31934596 (cited by Labcorp Genetics (formerly Invitae), Labcorp); PubMed 11017087 (cited by Labcorp Genetics (formerly Invitae), Labcorp and Molecular Genetics, Royal Melbourne Hospital).

NM_000350.3(ABCA4):c.2912C>A (p.Thr971Asn)

Gene: ABCA4 (ATP binding cassette subfamily A member 4; minus strand). Cytogenetic location: 1p22.1.
Variant type: single nucleotide variant.
Coding change: c.2912C>A on transcript NM_000350.3 (MANE Select); coding-DNA position 2912, C replaced by A.
Protein change: p.Thr971Asn; replaces threonine 971 with asparagine.
Molecular consequence: missense variant.
Genome position (GRCh38, 1-based): chr1:94,046,925, G>T on the plus strand (C>A on the coding strand, the complement: ABCA4 is on the minus strand). VCF-style: chr1-94046925-G-T. GRCh37 (hg19) VCF-style: chr1-94512481-G-T.
Other names: c.2690C>A, p.Thr897Asn (NM_001425324.1); short protein forms T971N, T897N.
Identifiers: ClinVar variation 99173 (VCV000099173.25), dbSNP rs61749450, ClinGen allele CA227050.